The following is an entry in ClinVar:

NM_001040108.2(MLH3):c.3461C>T (p.Pro1154Leu)

Gene: MLH3 (mutL homolog 3; minus strand). Cytogenetic location: 14q24.3.
Variant type: single nucleotide variant.
Coding change: c.3461C>T on transcript NM_001040108.2 (MANE Select); coding-DNA position 3461, C replaced by T.
Protein change: p.Pro1154Leu; replaces proline 1154 with leucine.
Molecular consequence: missense variant.
Genome position (GRCh38, 1-based): chr14:75,041,619, G>A on the plus strand (C>T on the coding strand, the complement: MLH3 is on the minus strand). VCF-style: chr14-75041619-G-A. GRCh37 (hg19) VCF-style: chr14-75508322-G-A.
Other names: c.3461C>T, p.Pro1154Leu (NM_014381.3); short protein forms P1154L.
Identifiers: ClinVar variation 1731646 (VCV001731646.2), dbSNP rs751899868, ClinGen allele CA7275493.
Genomic context (GRCh38, chr14:75,041,619, plus strand): 5'-AAATAAGAAGAAGAAGAAGAAAAAAAAAAGGCAAAGAAAAACTGCTACAGACCCACCTCT[G>A]GATAACGGGCAAATACTGGATTGTCCCATTCTGAGAACAAAGACTGAAGCGATTCGCTAC-3'
Protein context (NP_001035197.1, residues 1144-1164): EWDNPVFARY[Pro1154Leu]EVAVDVSSGQ

ClinVar aggregate classification (germline): Uncertain significance (1 of 4 stars; one submission).

Allele frequency attached by ClinVar (database versions not stated): gnomAD exomes below 0.00001; ExAC 0.00001.
gnomAD v4.1: 3 of 1,611,920 alleles (0.00019%); highest among the groups gnomAD compares: South Asian, 0.0022%; no homozygotes.

Submission:

Ambry Genetics
Classification: Uncertain significance. Last evaluated: 2021-08-24. Review status: criteria provided, single submitter. Criteria: Ambry Variant Classification Scheme 2023. Collection method: clinical testing. Allele origin: germline.
Comment: The p.P1154L variant (also known as c.3461C>T), located in coding exon 3 of the MLH3 gene, results from a C to T substitution at nucleotide position 3461. The proline at codon 1154 is replaced by leucine, an amino acid with similar properties. This amino acid position is conserved. In addition, the in silico prediction for this alteration is inconclusive. Since supporting evidence is limited at this time, the clinical significance of this alteration remains unclear.